The following is an entry in ClinVar:

ClinVar aggregate classification (germline): Uncertain significance (1 of 4 stars; one submission).

Conditions:
Cardiovascular phenotype. Identifiers: MedGen CN230736.

Submission:

Ambry Genetics
Classification: Uncertain significance for Cardiovascular phenotype. Last evaluated: 2024-04-27. Review status: criteria provided, single submitter. Criteria: Ambry Variant Classification Scheme 2023. Collection method: clinical testing. Allele origin: germline.
Comment: The p.S3399T variant (also known as c.10195T>A), located in coding exon 38 of the ANK2 gene, results from a T to A substitution at nucleotide position 10195. The serine at codon 3399 is replaced by threonine, an amino acid with similar properties. This amino acid position is conserved. In addition, this alteration is predicted to be tolerated by in silico analysis. Based on the available evidence, the clinical significance of this variant remains unclear.

NM_001148.6(ANK2):c.10195T>A (p.Ser3399Thr)

Gene: ANK2 (ankyrin 2; plus strand). Cytogenetic location: 4q26.
Variant type: single nucleotide variant.
Coding change: c.10195T>A on transcript NM_001148.6 (MANE Select); coding-DNA position 10195, T replaced by A.
Protein change: p.Ser3399Thr; replaces serine 3399 with threonine.
Molecular consequence: missense variant. On other transcripts: intron variant (68).
Genome position (GRCh38, 1-based): chr4:113,358,813, T>A. VCF-style: chr4-113358813-T-A. GRCh37 (hg19) VCF-style: chr4-114279969-T-A.
Other names: c.9961T>A, p.Ser3321Thr (NM_001386142.1); c.6595T>A, p.Ser2199Thr (NM_001386166.1); c.10336T>A, p.Ser3446Thr (NM_001386174.1); c.10312T>A, p.Ser3438Thr (NM_001386175.1); c.4412-2010T>A (NM_001386186.2, NM_001386148.2); c.4214-2010T>A (NM_001354269.3); c.4292-2010T>A (NM_001386187.2); c.4253-2010T>A (NM_001386147.1); and 35 more; short protein forms S3446T, S2199T, S3321T, S3399T, S3438T.
Identifiers: ClinVar variation 3294934 (VCV003294934.1).